The following is an entry in ClinVar:

NM_001408.3(CELSR2):c.2486C>T (p.Pro829Leu)

Gene: CELSR2 (cadherin EGF LAG seven-pass G-type receptor 2; plus strand). Cytogenetic location: 1p13.3.
Variant type: single nucleotide variant.
Coding change: c.2486C>T on transcript NM_001408.3 (MANE Select); coding-DNA position 2486, C replaced by T.
Protein change: p.Pro829Leu; replaces proline 829 with leucine.
Molecular consequence: missense variant.
Genome position (GRCh38, 1-based): chr1:109,252,565, C>T. VCF-style: chr1-109252565-C-T. GRCh37 (hg19) VCF-style: chr1-109795187-C-T.
Other names: short protein forms P829L.
Identifiers: ClinVar variation 1953893 (VCV001953893.5), dbSNP rs991646398, ClinGen allele CA28621064.
Genomic context (GRCh38, chr1:109,252,565, plus strand): 5'-ATGACAATGCCCCTCAGTTCCTGCGAGACTCCTACCAGGGCAGTGTCTATGAGGATGTGC[C>T]ACCCTTCACTAGCGTCCTGCAGATCTCAGCCACTGATCGTGATTCTGGACTTAATGGCAG-3'
Protein context (NP_001399.1, residues 819-839): SYQGSVYEDV[Pro829Leu]PFTSVLQISA

ClinVar aggregate classification (germline): Uncertain significance (1 of 4 stars; one submission).

Submission:

Labcorp Genetics (formerly Invitae), Labcorp
Classification: Uncertain significance. Last evaluated: 2025-10-06. Review status: criteria provided, single submitter. Criteria: Invitae Variant Classification Sherloc (09022015). Collection method: clinical testing. Allele origin: germline.
Comment: This sequence change replaces proline, which is neutral and non-polar, with leucine, which is neutral and non-polar, at codon 829 of the CELSR2 protein (p.Pro829Leu). This variant is not present in population databases (gnomAD no frequency). This variant has not been reported in the literature in individuals affected with CELSR2-related conditions. ClinVar contains an entry for this variant (Variation ID: 1953893). Invitae Evidence Modeling of protein sequence and biophysical properties (such as structural, functional, and spatial information, amino acid conservation, physicochemical variation, residue mobility, and thermodynamic stability) has been performed for this missense variant. However, the output from this modeling did not meet the statistical confidence thresholds required to predict the impact of this variant on CELSR2 protein function. In summary, the available evidence is currently insufficient to determine the role of this variant in disease. Therefore, it has been classified as a Variant of Uncertain Significance.